The following is an entry in ClinVar:

NM_004046.6(ATP5F1A):c.550T>G (p.Ser184Ala)

Gene: ATP5F1A (ATP synthase F1 subunit alpha; minus strand). Cytogenetic location: 18q21.1.
Variant type: single nucleotide variant.
Coding change: c.550T>G on transcript NM_004046.6 (MANE Select); coding-DNA position 550, T replaced by G.
Protein change: p.Ser184Ala; replaces serine 184 with alanine.
Molecular consequence: missense variant.
Genome position (GRCh38, 1-based): chr18:46,089,666, A>C on the plus strand (T>G on the coding strand, the complement: ATP5F1A is on the minus strand). VCF-style: chr18-46089666-A-C. GRCh37 (hg19) VCF-style: chr18-43669632-A-C.
Other names: c.400T>G, p.Ser134Ala (NM_001001935.3, NM_001257335.2); c.550T>G, p.Ser184Ala (NM_001001937.2); c.484T>G, p.Ser162Ala (NM_001257334.2); short protein forms S184A, S134A, S162A.
Identifiers: ClinVar variation 5009503 (VCV005009503.1).

ClinVar aggregate classification (germline): Uncertain significance (1 of 4 stars; one submission).

Submission:

GeneDx
Classification: Uncertain significance. Last evaluated: 2026-03-19. Review status: criteria provided, single submitter. Criteria: GeneDx Variant Classification Process June 2021. Collection method: clinical testing. Allele origin: germline.
Comment: Not observed at significant frequency in large population cohorts (gnomAD); In silico analysis supports that this missense variant has a deleterious effect on protein structure/function; Has not been previously published as pathogenic or benign to our knowledge